The following is an entry in ClinVar:

NM_001330078.2(NRXN1):c.17T>A (p.Leu6His)

Gene: NRXN1 (neurexin 1; minus strand). Cytogenetic location: 2p16.3.
Variant type: single nucleotide variant.
Coding change: c.17T>A on transcript NM_001330078.2 (MANE Select); coding-DNA position 17, T replaced by A.
Protein change: p.Leu6His; replaces leucine 6 with histidine.
Molecular consequence: missense variant.
Genome position (GRCh38, 1-based): chr2:51,028,257, A>T on the plus strand (T>A on the coding strand, the complement: NRXN1 is on the minus strand). VCF-style: chr2-51028257-A-T. GRCh37 (hg19) VCF-style: chr2-51255395-A-T.
Other names: c.17T>A, p.Leu6His (NM_001135659.3, NM_001330077.2, NM_001330079.2 and 15 more transcripts); short protein forms L6H.
Identifiers: ClinVar variation 2015400 (VCV002015400.4), dbSNP rs1220439982, ClinGen allele CA346824877.
Genomic context (GRCh38, chr2:51,028,257, plus strand): 5'-TCCGCCCAGCAGCCCAGGAGCAGCAGCGAGAGGCACAGAAGAAAACAGCCCCCGCGCTGG[A>T]GCAGCGCCGTCCCCATGCTCGGGGCTGGGGTGCGGCGGGGGGGTGCCGGGGCCGACAGGG-3'
Protein context (NP_001317007.1, residues 1-16): MGTAL[Leu6His]QRGGCFLLCL

ClinVar aggregate classification (germline): Uncertain significance (1 of 4 stars; one submission).

Conditions:
Pitt-Hopkins-like syndrome 2 (PTHSL2). Identifiers: Orphanet 221150, Orphanet 600663, MedGen C3280479, MONDO:0013690, OMIM 614325.

Allele frequency attached by ClinVar (database versions not stated): TOPMed below 0.00001.
gnomAD v4.1: 1 of 1,455,362 alleles (0.000069%); no homozygotes.

Submission:

Labcorp Genetics (formerly Invitae), Labcorp
Classification: Uncertain significance for Pitt-Hopkins-like syndrome 2. Last evaluated: 2025-09-10. Review status: criteria provided, single submitter. Criteria: Invitae Variant Classification Sherloc (09022015). Collection method: clinical testing. Allele origin: germline.
Comment: This sequence change replaces leucine, which is neutral and non-polar, with histidine, which is basic and polar, at codon 6 of the NRXN1 protein (p.Leu6His). This variant is not present in population databases (gnomAD no frequency). This variant has not been reported in the literature in individuals affected with NRXN1-related conditions. ClinVar contains an entry for this variant (Variation ID: 2015400). An algorithm developed to predict the effect of missense changes on protein structure and function (PolyPhen-2) suggests that this variant is likely to be disruptive. In summary, the available evidence is currently insufficient to determine the role of this variant in disease. Therefore, it has been classified as a Variant of Uncertain Significance.